The following is an entry in ClinVar:

ClinVar aggregate classification (germline): Uncertain significance. Review status: criteria provided, multiple submitters, no conflicts (2 of 4 stars). 2 submissions from 2 submitters: Uncertain significance (2). Last evaluated 2024-02-29.

Conditions:
Hereditary cancer-predisposing syndrome. Also called: Hereditary Cancer Syndrome; Hereditary neoplastic syndrome; Neoplastic Syndromes, Hereditary; Tumor predisposition. Identifiers: Orphanet 140162, MedGen C0027672, MeSH D009386, MONDO:0015356.

Allele frequency attached by ClinVar (database versions not stated): gnomAD exomes below 0.00001; TOPMed below 0.00001; gnomAD 0.00001.
gnomAD v4.1: 3 of 1,614,122 alleles (0.00019%); highest among the groups gnomAD compares: Admixed American, 0.005%; no homozygotes.

Submissions (2):

Labcorp Genetics (formerly Invitae), Labcorp
Classification: Uncertain significance. Last evaluated: 2024-02-29. Review status: criteria provided, single submitter. Criteria: Invitae Variant Classification Sherloc (09022015). Collection method: clinical testing. Allele origin: germline.
Comment: This sequence change replaces glutamic acid, which is acidic and polar, with glutamine, which is neutral and polar, at codon 595 of the ERCC5 protein (p.Glu595Gln). This variant is not present in population databases (gnomAD no frequency). This variant has not been reported in the literature in individuals affected with ERCC5-related conditions. ClinVar contains an entry for this variant (Variation ID: 1692180). An algorithm developed to predict the effect of missense changes on protein structure and function (PolyPhen-2) suggests that this variant is likely to be tolerated. In summary, the available evidence is currently insufficient to determine the role of this variant in disease. Therefore, it has been classified as a Variant of Uncertain Significance.

Sema4
Classification: Uncertain significance for Hereditary cancer-predisposing syndrome. Last evaluated: 2022-03-04. Review status: criteria provided, single submitter. Criteria: Sema4 Curation Guidelines. Collection method: curation. Allele origin: germline.
Comment: The ERCC5 c.1783G>C (p.E595Q) variant has not been reported in the literature to our knowledge. It was not observed in the large and broad cohorts of the Genome Aggregation Database (PMID: 32461654). The variant has not been reported in ClinVar. In silico tools suggest that the impact of the variant on protein function is benign but a possible impact on splicing is predicted, though these predictions have not been confirmed by functional studies. The evidence is insufficient to meet ACMG/AMP criteria for classifying the variant as benign or pathogenic. Thus, the clinical significance of this variant is currently uncertain.

NM_000123.4(ERCC5):c.1783G>C (p.Glu595Gln)

Genes: ERCC5 (ERCC excision repair 5, endonuclease; plus strand), BIVM-ERCC5 (BIVM-ERCC5 readthrough; plus strand). Cytogenetic location: 13q33.1.
Variant type: single nucleotide variant.
Coding change: c.1783G>C on transcript NM_000123.4 (MANE Select); coding-DNA position 1783, G replaced by C.
Protein change: p.Glu595Gln; replaces glutamic acid 595 with glutamine.
Molecular consequence: missense variant.
Genome position (GRCh38, 1-based): chr13:102,862,932, G>C. VCF-style: chr13-102862932-G-C. GRCh37 (hg19) VCF-style: chr13-103515282-G-C.
Other names: c.3145G>C, p.Glu1049Gln (NM_001204425.2); short protein forms E1049Q, E595Q.
Identifiers: ClinVar variation 1692180 (VCV001692180.4), dbSNP rs1004481242, ClinGen allele CA255225577.